The following is an entry in ClinVar:

ClinVar aggregate classification (germline): Benign (1 of 4 stars; one submission).

Allele frequency attached by ClinVar (database versions not stated): 1000 Genomes Project 0.52656; gnomAD 0.52858 and 0.53585; TOPMed 0.53318; 1000 Genomes Project 30x 0.53592.
gnomAD v4.1: 80,274 of 152,056 alleles (53%); highest among the groups gnomAD compares: African/African-American, 77%; 22,941 homozygotes.

Submission:

GeneDx
Classification: Benign. Last evaluated: 2018-06-14. Review status: criteria provided, single submitter. Criteria: GeneDx Variant Classification (06012015). Collection method: clinical testing. Allele origin: germline. Affected: yes.
Comment: This variant is considered likely benign or benign based on one or more of the following criteria: it is a conservative change, it occurs at a poorly conserved position in the protein, it is predicted to be benign by multiple in silico algorithms, and/or has population frequency not consistent with disease.

NM_025152.3(NUBPL):c.693+236G>A

Gene: NUBPL (NUBP iron-sulfur cluster assembly factor, mitochondrial; plus strand). Cytogenetic location: 14q12.
Variant type: single nucleotide variant.
Coding change: c.693+236G>A on transcript NM_025152.3 (MANE Select); 236 bases into the intron after coding-DNA position 693, G replaced by A.
Molecular consequence: intron variant.
Genome position (GRCh38, 1-based): chr14:31,826,950, G>A. VCF-style: chr14-31826950-G-A. GRCh37 (hg19) VCF-style: chr14-32296156-G-A.
Other names: c.405+236G>A (NM_001201573.2); c.144+236G>A (NM_001201574.2).
Identifiers: ClinVar variation 683237 (VCV000683237.1), dbSNP rs8018532, ClinGen allele CA259019427.
Genomic context (GRCh38, chr14:31,826,950, plus strand): 5'-CATGATATTAATCCATAAGAATTGTAAAACACCCTTTAGGTAAGAGTTTTCTATAGAAGT[G>A]CTACTTCTCTCATACTTGCAGCTATCACTGACAAAAAAAATTACAAGAGTGTTTTAGGAA-3'